The following is an entry in ClinVar:

ClinVar aggregate classification (germline): Uncertain significance (1 of 4 stars; one submission).

Submission:

GeneDx
Classification: Uncertain significance. Last evaluated: 2022-07-15. Review status: criteria provided, single submitter. Criteria: GeneDx Variant Classification Process June 2021. Collection method: clinical testing. Allele origin: germline. Affected: yes.
Comment: Not observed at significant frequency in large population cohorts (gnomAD); In silico analysis supports that this missense variant does not alter protein structure/function; Has not been previously published as pathogenic or benign to our knowledge

NM_001122630.2(CDKN1C):c.854C>A (p.Pro285His)

Gene: CDKN1C (cyclin dependent kinase inhibitor 1C; minus strand). Cytogenetic location: 11p15.4.
Variant type: single nucleotide variant.
Coding change: c.854C>A on transcript NM_001122630.2 (MANE Select); coding-DNA position 854, C replaced by A.
Protein change: p.Pro285His; replaces proline 285 with histidine.
Molecular consequence: missense variant.
Genome position (GRCh38, 1-based): chr11:2,884,068, G>T on the plus strand (C>A on the coding strand, the complement: CDKN1C is on the minus strand). VCF-style: chr11-2884068-G-T. GRCh37 (hg19) VCF-style: chr11-2905298-G-T.
Other names: c.887C>A, p.Pro296His (NM_000076.2, NM_001362474.2); c.854C>A, p.Pro285His (NM_001122631.2); c.322C>A, p.Pro108Thr (NM_001362475.2); short protein forms P108T, P285H, P296H.
Identifiers: ClinVar variation 1878991 (VCV001878991.1), dbSNP rs2494379825, ClinGen allele CA379144885.